The following is an entry in ClinVar:

NM_000479.5(AMH):c.649C>T (p.Gln217Ter)

Gene: AMH (anti-Mullerian hormone; plus strand). Cytogenetic location: 19p13.3.
Variant type: single nucleotide variant.
Coding change: c.649C>T on transcript NM_000479.5 (MANE Select); coding-DNA position 649, C replaced by T.
Protein change: p.Gln217Ter; replaces glutamine 217 with a stop codon.
Molecular consequence: nonsense.
Genome position (GRCh38, 1-based): chr19:2,250,745, C>T. VCF-style: chr19-2250745-C-T. GRCh37 (hg19) VCF-style: chr19-2250744-C-T.
Other names: short protein forms Q217*.
Identifiers: ClinVar variation 1344503 (VCV001344503.3), dbSNP rs1183532981, ClinGen allele CA403240594.

ClinVar aggregate classification (germline): Pathogenic/Likely pathogenic. Review status: criteria provided, multiple submitters, no conflicts (2 of 4 stars). 3 submissions from 3 submitters: Pathogenic (2); Likely pathogenic (1). Last evaluated 2024-06-21.

Conditions:
AMH-related disorder. Also called: AMH-related condition.
Persistent Mullerian duct syndrome (PMDS). Also called: FEMALE GENITAL DUCTS IN OTHERWISE NORMAL MALE; HERNIA UTERI INGUINALE; PERSISTENT MULLERIAN DUCT SYNDROME, TYPES I AND II; PERSISTENT OVIDUCT SYNDROME; PSEUDOHERMAPHRODITISM, MALE INTERNAL. Identifiers: Orphanet 2856, MedGen C1849930, MONDO:0009857, OMIM 261550.

Allele frequency attached by ClinVar (database versions not stated): TOPMed below 0.00001; gnomAD 0.00001; gnomAD exomes 0.00001.
gnomAD v4.1: 13 of 1,536,062 alleles (0.00085%); highest among the groups gnomAD compares: African/African-American, 0.0041%; no homozygotes.

Submissions (3):

Fulgent Genetics
Classification: Pathogenic for Persistent Mullerian duct syndrome. Last evaluated: 2024-06-21. Review status: criteria provided, single submitter. Criteria: ACMG Guidelines, 2015. Collection method: clinical testing. Allele origin: germline.

Seattle Children's Hospital Molecular Genetics Laboratory, Seattle Children's Hospital
Classification: Pathogenic for Persistent Mullerian duct syndrome. Last evaluated: 2021-08-27. Review status: criteria provided, single submitter. Criteria: ACMG Guidelines, 2015. Collection method: clinical testing. Allele origin: unknown. Inheritance: Autosomal recessive inheritance. Affected: yes.
Comment: The c.649C>T variant in exon 3 of 5 creates a premature stop codon and is predicted to cause a loss of protein function. This variant and other stop-gain variants have been reported in the literature in affected individuals (PMID: 30668521, PMID: 28528332).

Blueprint Genetics
Classification: Likely pathogenic for AMH-related disorders. Last evaluated: 2020-07-14. Review status: criteria provided, single submitter. Criteria: ACMG Guidelines, 2015. Collection method: clinical testing. Allele origin: germline. Affected: yes. Observed: 1 variant allele.

Literature cited by the submitters: PubMed 30668521 (cited by Seattle Children's Hospital Molecular Genetics Laboratory, Seattle Children's Hospital); PubMed 28528332 (cited by Seattle Children's Hospital Molecular Genetics Laboratory, Seattle Children's Hospital).